The following is an entry in ClinVar:

NM_000048.4(ASL):c.1130T>C (p.Leu377Pro)

Gene: ASL (argininosuccinate lyase; plus strand). Cytogenetic location: 7q11.21.
Variant type: single nucleotide variant.
Coding change: c.1130T>C on transcript NM_000048.4 (MANE Select); coding-DNA position 1130, T replaced by C.
Protein change: p.Leu377Pro; replaces leucine 377 with proline.
Molecular consequence: missense variant.
Genome position (GRCh38, 1-based): chr7:66,092,073, T>C. VCF-style: chr7-66092073-T-C. GRCh37 (hg19) VCF-style: chr7-65557060-T-C.
Other names: c.1130T>C, p.Leu377Pro (NM_001024943.2); c.1070T>C, p.Leu357Pro (NM_001024944.2); c.1052T>C, p.Leu351Pro (NM_001024946.2); short protein forms L351P, L357P, L377P.
Identifiers: ClinVar variation 4996657 (VCV004996657.1).

ClinVar aggregate classification (germline): Uncertain significance (1 of 4 stars; one submission).

Conditions:
ASL-related disorder. Also called: ASL-related condition.

gnomAD v4.1: 1 of 1,612,356 alleles (0.000062%); highest among the groups gnomAD compares: African/African-American, 0.0013%; no homozygotes.

Submission:

PreventionGenetics, part of Exact Sciences
Classification: Uncertain significance for ASL-related condition. Last evaluated: 2026-05-31. Review status: criteria provided, single submitter. Criteria: ACMG Guidelines, 2015. Collection method: clinical testing. Allele origin: germline.
Comment: The ASL c.1130T>C variant is predicted to result in the amino acid substitution p.Leu377Pro. To our knowledge, this variant has not been reported in the literature. This variant is reported in 0.0% of alleles in individuals of African descent in gnomAD. At this time, the clinical significance of this variant is uncertain due to the absence of conclusive functional and genetic evidence.